The following is an entry in ClinVar:

ClinVar aggregate classification (germline): Uncertain significance. Review status: criteria provided, multiple submitters, no conflicts (2 of 4 stars). 2 submissions from 2 submitters: Uncertain significance (2). Last evaluated 2026-01-11.

gnomAD v4.1: 7 of 1,613,986 alleles (0.00043%); highest among the groups gnomAD compares: Admixed American, 0.012%; no homozygotes.

Submissions (2):

Labcorp Genetics (formerly Invitae), Labcorp
Classification: Uncertain significance. Last evaluated: 2026-01-11. Review status: criteria provided, single submitter. Criteria: Invitae Variant Classification Sherloc (09022015). Collection method: clinical testing. Allele origin: germline.
Comment: This sequence change replaces valine, which is neutral and non-polar, with phenylalanine, which is neutral and non-polar, at codon 418 of the RELB protein (p.Val418Phe). This variant is present in population databases (no rsID available, gnomAD 0.02%). This variant has not been reported in the literature in individuals affected with RELB-related conditions. ClinVar contains an entry for this variant (Variation ID: 2403836). An algorithm developed to predict the effect of missense changes on protein structure and function (PolyPhen-2) suggests that this variant is likely to be disruptive. In summary, the available evidence is currently insufficient to determine the role of this variant in disease. Therefore, it has been classified as a Variant of Uncertain Significance.

Ambry Genetics
Classification: Uncertain significance. Last evaluated: 2021-09-27. Review status: criteria provided, single submitter. Criteria: Ambry Variant Classification Scheme 2023. Collection method: clinical testing. Allele origin: germline.

NM_006509.4(RELB):c.1252G>T (p.Val418Phe)

Gene: RELB (RELB proto-oncogene, NF-kB subunit; plus strand). Cytogenetic location: 19q13.32.
Variant type: single nucleotide variant.
Coding change: c.1252G>T on transcript NM_006509.4 (MANE Select); coding-DNA position 1252, G replaced by T.
Protein change: p.Val418Phe; replaces valine 418 with phenylalanine.
Molecular consequence: missense variant.
Genome position (GRCh38, 1-based): chr19:45,034,288, G>T. VCF-style: chr19-45034288-G-T. GRCh37 (hg19) VCF-style: chr19-45537546-G-T.
Other names: c.1243G>T, p.Val415Phe (NM_001411087.1); short protein forms V415F, V418F.
Identifiers: ClinVar variation 2403836 (VCV002403836.3), dbSNP rs551709862, ClinGen allele CA308904733.